The following is an entry in ClinVar:

NM_001177316.2(SLC34A3):c.1505C>T (p.Ala502Val)

Gene: SLC34A3 (solute carrier family 34 member 3; plus strand). Cytogenetic location: 9q34.3.
Variant type: single nucleotide variant.
Coding change: c.1505C>T on transcript NM_001177316.2 (MANE Select); coding-DNA position 1505, C replaced by T.
Protein change: p.Ala502Val; replaces alanine 502 with valine.
Molecular consequence: missense variant.
Genome position (GRCh38, 1-based): chr9:137,236,121, C>T. VCF-style: chr9-137236121-C-T. GRCh37 (hg19) VCF-style: chr9-140130573-C-T.
Other names: c.1505C>T, p.Ala502Val (NM_001177317.2, NM_080877.3); short protein forms A502V.
Identifiers: ClinVar variation 935089 (VCV000935089.7), dbSNP rs571107918, ClinGen allele CA5364974.

ClinVar aggregate classification (germline): Uncertain significance. Review status: criteria provided, multiple submitters, no conflicts (2 of 4 stars). 4 submissions from 4 submitters: Uncertain significance (4). Last evaluated 2025-08-31.

Conditions:
Inborn genetic diseases. Identifiers: MedGen C0950123, MeSH D030342.
Autosomal recessive hypophosphatemic bone disease (HHRH). Also called: Hypophosphatemic rickets with hypercalciuria; HYPERCALCIURIC RICKETS. Identifiers: Orphanet 157215, MedGen C1853271, MONDO:0009431, OMIM 241530.

Allele frequency attached by ClinVar (database versions not stated): gnomAD 0.00002 and 0.00003; TOPMed 0.00002; gnomAD exomes 0.00006 and 0.00012; ExAC 0.00014; 1000 Genomes Project 30x 0.00016; 1000 Genomes Project 0.00020.
gnomAD v4.1: 93 of 1,611,300 alleles (0.0058%); highest among the groups gnomAD compares: South Asian, 0.081%; no homozygotes.

Submissions (4):

Ambry Genetics
Classification: Uncertain significance for Inborn genetic diseases. Last evaluated: 2025-08-31. Review status: criteria provided, single submitter. Criteria: Ambry Variant Classification Scheme 2023. Collection method: clinical testing. Allele origin: germline.

Fulgent Genetics
Classification: Uncertain significance for Autosomal recessive hypophosphatemic bone disease. Last evaluated: 2024-02-16. Review status: criteria provided, single submitter. Criteria: ACMG Guidelines, 2015. Collection method: clinical testing. Allele origin: germline.

GeneDx
Classification: Uncertain significance. Last evaluated: 2020-07-02. Review status: criteria provided, single submitter. Criteria: GeneDx Variant Classification Process June 2021. Collection method: clinical testing. Allele origin: germline. Affected: yes.
Comment: In silico analysis supports that this missense variant does not alter protein structure/function; Has not been previously published as pathogenic or benign to our knowledge

Labcorp Genetics (formerly Invitae), Labcorp
Classification: Uncertain significance. Last evaluated: 2019-09-27. Review status: criteria provided, single submitter. Criteria: Invitae Variant Classification Sherloc (09022015). Collection method: clinical testing. Allele origin: germline.
Comment: This sequence change replaces alanine with valine at codon 502 of the SLC34A3 protein (p.Ala502Val). The alanine residue is highly conserved and there is a small physicochemical difference between alanine and valine. This variant is present in population databases (rs571107918, ExAC 0.09%). This variant has not been reported in the literature in individuals with SLC34A3-related conditions. Algorithms developed to predict the effect of missense changes on protein structure and function are either unavailable or do not agree on the potential impact of this missense change (SIFT: "Tolerated"; PolyPhen-2: "Probably Damaging"; Align-GVGD: "Class C0"). In summary, the available evidence is currently insufficient to determine the role of this variant in disease. Therefore, it has been classified as a Variant of Uncertain Significance.